The following is an entry in ClinVar:

ClinVar aggregate classification (germline): Pathogenic (1 of 4 stars; one submission).

Conditions:
Ichthyosis, congenital, autosomal recessive 14. Identifiers: MedGen C4539754, MONDO:0033091, OMIM 617571.

Submission:

Genetics Department, University Hospital of Toulouse
Classification: Pathogenic for Ichthyosis, congenital, autosomal recessive 14. Last evaluated: 2025-08-04. Review status: criteria provided, single submitter. Criteria: ACMG Guidelines, 2015. Collection method: clinical testing, in vitro. Allele origin: germline, not applicable. Affected: yes. Observed: 1 variant allele. Functional consequence: absent gene product.
Comment: The variant NM_177973.2 (SULT2B1):c.102C>G is absent from population databases (dbSNP, 1000Genomes). Loss-of-function in the gene SULT2B1 is associated with Autosomal Recessive Congenital Ichthyosis (ARCI14; OMIM #617571) (PMID: 28575648). The variant c.102C>G is a nonsense variant predicted to result in an absent or disrupted protein product. It has been reported in the homozygous or hemizygous state in one affected individual with Autosomal Recessive Congenital Ichthyosis and loss of protein expression in the patient's epidermis was confirmed by immunofluorescence (Milesi et al., submitted). For these reasons, this variant has been classified as Pathogenic.

NM_177973.2(SULT2B1):c.102C>G (p.Tyr34Ter)

Gene: SULT2B1 (sulfotransferase family 2B member 1; plus strand). Cytogenetic location: 19q13.33.
Variant type: single nucleotide variant.
Coding change: c.102C>G on transcript NM_177973.2 (MANE Select); coding-DNA position 102, C replaced by G.
Protein change: p.Tyr34Ter; replaces tyrosine 34 with a stop codon.
Molecular consequence: nonsense.
Genome position (GRCh38, 1-based): chr19:48,575,971, C>G. VCF-style: chr19-48575971-C-G. GRCh37 (hg19) VCF-style: chr19-49079228-C-G.
Other names: c.57C>G, p.Tyr19Ter (NM_004605.2); short protein forms Y19*, Y34*.
Identifiers: ClinVar variation 4076976 (VCV004076976.1).